The following is an entry in ClinVar:

NM_001916.5(CYC1):c.11C>T (p.Ala4Val)

Gene: CYC1 (cytochrome c1; plus strand). Cytogenetic location: 8q24.3.
Variant type: single nucleotide variant.
Coding change: c.11C>T on transcript NM_001916.5 (MANE Select); coding-DNA position 11, C replaced by T.
Protein change: p.Ala4Val; replaces alanine 4 with valine.
Molecular consequence: missense variant.
Genome position (GRCh38, 1-based): chr8:144,095,110, C>T. VCF-style: chr8-144095110-C-T. GRCh37 (hg19) VCF-style: chr8-145150013-C-T.
Other names: c.11C>T (NM_001916.3); short protein forms A4V.
Identifiers: ClinVar variation 1900186 (VCV001900186.10), dbSNP rs548702965, ClinGen allele CA187615452.
Genomic context (GRCh38, chr8:144,095,110, plus strand): 5'-GTGGCGCCCCAGGGGCCGACGGGAGTGGCGGCCGCGCGGAGGAGGCCAAGATGGCGGCAG[C>T]TGCGGCTTCGCTTCGCGGGGTAGTGTTGGGCCCGCGGGGCGCGGGGCTCCCGGGCGCGCG-3'
Protein context (NP_001907.3, residues 1-14): MAA[Ala4Val]AASLRGVVLG

ClinVar aggregate classification (germline): Uncertain significance. Review status: criteria provided, multiple submitters, no conflicts (2 of 4 stars). 3 submissions from 3 submitters: Uncertain significance (3). Last evaluated 2024-05-15.

Conditions:
Mitochondrial complex III deficiency nuclear type 6. Identifiers: MedGen C3809553, MONDO:0014194, OMIM 615453.

Allele frequency attached by ClinVar (database versions not stated): TOPMed 0.00003; gnomAD 0.00005; gnomAD exomes 0.00007; 1000 Genomes Project 0.00040; 1000 Genomes Project 30x 0.00062.
gnomAD v4.1: 80 of 1,210,320 alleles (0.0066%); highest among the groups gnomAD compares: South Asian, 0.22%; no homozygotes.

Submissions (3):

Labcorp Genetics (formerly Invitae), Labcorp
Classification: Uncertain significance. Last evaluated: 2024-05-15. Review status: criteria provided, single submitter. Criteria: Invitae Variant Classification Sherloc (09022015). Collection method: clinical testing. Allele origin: germline.
Comment: This sequence change replaces alanine, which is neutral and non-polar, with valine, which is neutral and non-polar, at codon 4 of the CYC1 protein (p.Ala4Val). This variant is not present in population databases (gnomAD no frequency). This variant has not been reported in the literature in individuals affected with CYC1-related conditions. ClinVar contains an entry for this variant (Variation ID: 1900186). An algorithm developed to predict the effect of missense changes on protein structure and function (PolyPhen-2) suggests that this variant is likely to be disruptive. In summary, the available evidence is currently insufficient to determine the role of this variant in disease. Therefore, it has been classified as a Variant of Uncertain Significance.

Ambry Genetics
Classification: Uncertain significance. Last evaluated: 2024-04-09. Review status: criteria provided, single submitter. Criteria: Ambry Variant Classification Scheme 2023. Collection method: clinical testing. Allele origin: germline.

Revvity Omics, Revvity
Classification: Uncertain significance for Mitochondrial complex III deficiency nuclear type 6. Last evaluated: 2019-05-28. Review status: criteria provided, single submitter. Criteria: ACMG Guidelines, 2015. Collection method: clinical testing. Allele origin: germline.